The following is an entry in ClinVar:

ClinVar aggregate classification (germline): Uncertain significance (1 of 4 stars; one submission).

Conditions:
Hereditary cancer-predisposing syndrome. Also called: Tumor predisposition; Neoplastic Syndromes, Hereditary; Hereditary neoplastic syndrome; Hereditary Cancer Syndrome. Identifiers: Orphanet 140162, MedGen C0027672, MeSH D009386, MONDO:0015356.

Submission:

Ambry Genetics
Classification: Uncertain significance for Hereditary cancer-predisposing syndrome. Last evaluated: 2025-08-27. Review status: criteria provided, single submitter. Criteria: Ambry Variant Classification Scheme 2023. Collection method: clinical testing. Allele origin: germline.
Comment: The p.S406C variant (also known as c.1217C>G), located in coding exon 13 of the MUTYH gene, results from a C to G substitution at nucleotide position 1217. The serine at codon 406 is replaced by cysteine, an amino acid with dissimilar properties. This amino acid position is conserved. In addition, the in silico prediction for this alteration is inconclusive. Based on the available evidence, the clinical significance of this variant remains unclear.

NM_001048174.2(MUTYH):c.1133C>G (p.Ser378Cys)

Gene: MUTYH (mutY DNA glycosylase; minus strand). Cytogenetic location: 1p34.1.
Variant type: single nucleotide variant.
Coding change: c.1133C>G on transcript NM_001048174.2 (MANE Select); coding-DNA position 1133, C replaced by G.
Protein change: p.Ser378Cys; replaces serine 378 with cysteine.
Molecular consequence: missense variant. On other transcripts: non-coding transcript variant (7).
Genome position (GRCh38, 1-based): chr1:45,331,526, G>C on the plus strand (C>G on the coding strand, the complement: MUTYH is on the minus strand). VCF-style: chr1-45331526-G-C. GRCh37 (hg19) VCF-style: chr1-45797198-G-C.
Other names: c.1049C>G, p.Ser350Cys (NM_001407075.1); c.1166C>G, p.Ser389Cys (NM_001407077.1, NM_001407069.1, NM_001293191.2); c.1136C>G, p.Ser379Cys (NM_001407078.1, NM_001407086.1, NM_001407071.1 and 1 more transcripts); c.1094C>G, p.Ser365Cys (NM_001407079.1); c.1091C>G, p.Ser364Cys (NM_001407080.1); c.1133C>G, p.Ser378Cys (NM_001407081.1, NM_001407088.1, NM_001407089.1 and 6 more transcripts); c.788C>G, p.Ser263Cys (NM_001407082.1, NM_001350650.2, NM_001350651.2); c.1175C>G, p.Ser392Cys (NM_001407083.1, NM_001407085.1); and 5 more; short protein forms S286C, S379C, S403C, S350C, S365C, S263C, S392C, S364C.
Identifiers: ClinVar variation 4113088 (VCV004113088.1).
Genomic context (GRCh38, chr1:45,331,526, plus strand): 5'-CGCTGTAGTTCCTGCAGCAGGGCCTTGCGCTGAAGCTGCTCTGAGGGCTCCCAGGTCACG[G>C]ACGGGAACTCCCACAGTCCTGCCAGCAGACCTGAGAGGGAGGGCAGCCAGGCAGGGGTCA-3'
Protein context (NP_001041639.1, residues 368-388): GLLAGLWEFP[Ser378Cys]VTWEPSEQLQ